The following is an entry in ClinVar:

NM_198253.3(TERT):c.2169C>T (p.Asp723=)

Gene: TERT (telomerase reverse transcriptase; minus strand). Cytogenetic location: 5p15.33.
Variant type: single nucleotide variant.
Coding change: c.2169C>T on transcript NM_198253.3 (MANE Select); coding-DNA position 2169, C replaced by T.
Protein change: p.Asp723=; no amino-acid change (aspartic acid 723 retained).
Molecular consequence: synonymous variant. On other transcripts: non-coding transcript variant (2).
Genome position (GRCh38, 1-based): chr5:1,278,758, G>A on the plus strand (C>T on the coding strand, the complement: TERT is on the minus strand). VCF-style: chr5-1278758-G-A. GRCh37 (hg19) VCF-style: chr5-1278873-G-A.
Other names: c.2169C>T, p.Asp723= (NM_001193376.3).
Identifiers: ClinVar variation 471854 (VCV000471854.18), dbSNP rs368762140, ClinGen allele CA3184634.

ClinVar aggregate classification (germline): Likely benign. Review status: criteria provided, multiple submitters, no conflicts (2 of 4 stars). 4 submissions from 4 submitters: Likely benign (3). 1 of the submissions does not count toward it. Last evaluated 2026-04-01.

Conditions:
TERT-related disorder. Also called: TERT-related disorders; TERT-related condition.
Dyskeratosis congenita. Identifiers: Orphanet 1775, MedGen C0265965, MONDO:0015780.
Idiopathic Pulmonary Fibrosis. Also called: Idiopathic fibrosing alveolitis, chronic form; idiopathic fibrosing alveolitis. Identifiers: Orphanet 2032, MedGen C1800706, MeSH D054990, MONDO:0800504.
Dyskeratosis congenita, autosomal dominant 2. Identifiers: MedGen C3151443, MONDO:0013521, OMIM 613989.

Allele frequency attached by ClinVar (database versions not stated): gnomAD exomes below 0.00001 and 0.00004; TOPMed 0.00002; ExAC 0.00005; gnomAD 0.00005; ESP Exome Variant Server 0.00015; 1000 Genomes Project 0.00060; 1000 Genomes Project 30x 0.00062.
gnomAD v4.1: 15 of 1,614,184 alleles (0.00093%); highest among the groups gnomAD compares: African/African-American, 0.015%; no homozygotes.

Submissions (4):

CeGaT Center for Human Genetics Tuebingen
Classification: Likely benign. Last evaluated: 2026-04-01. Review status: criteria provided, single submitter. Criteria: CeGaT Center For Human Genetics Tuebingen Variant Classification Criteria Version 2. Collection method: clinical testing. Allele origin: germline. Affected: yes. Observed: 1 variant allele.
Comment: TERT: BP4, BP7

Labcorp Genetics (formerly Invitae), Labcorp
Classification: Likely benign for Dyskeratosis congenita, autosomal dominant 2; Idiopathic Pulmonary Fibrosis. Last evaluated: 2025-04-09. Review status: criteria provided, single submitter. Criteria: Invitae Variant Classification Sherloc (09022015). Collection method: clinical testing. Allele origin: germline.

Ambry Genetics
Classification: Likely benign for Dyskeratosis congenita. Last evaluated: 2022-03-29. Review status: criteria provided, single submitter. Criteria: Ambry Variant Classification Scheme 2023. Collection method: clinical testing. Allele origin: germline.

PreventionGenetics, part of Exact Sciences
Classification: Likely benign for TERT-related condition. Last evaluated: 2022-11-16. Review status: no assertion criteria provided. Collection method: clinical testing. Allele origin: germline. Not counted in ClinVar's aggregate classification.
Comment: This variant is classified as likely benign based on ACMG/AMP sequence variant interpretation guidelines (Richards et al. 2015 PMID: 25741868, with internal and published modifications).